The following is an entry in ClinVar:

NM_016507.4(CDK12):c.816G>T (p.Arg272Ser)

Genes: CDK12 (cyclin dependent kinase 12; plus strand), LOC126862553 (CDK7 strongly-dependent group 2 enhancer GRCh37_chr17:37618166-37619365; plus strand). Cytogenetic location: 17q12.
Variant type: single nucleotide variant.
Coding change: c.816G>T on transcript NM_016507.4 (MANE Select); coding-DNA position 816, G replaced by T.
Protein change: p.Arg272Ser; replaces arginine 272 with serine.
Molecular consequence: missense variant.
Genome position (GRCh38, 1-based): chr17:39,462,887, G>T. VCF-style: chr17-39462887-G-T. GRCh37 (hg19) VCF-style: chr17-37619140-G-T.
Other names: c.816G>T, p.Arg272Ser (NM_015083.4); short protein forms R272S.
Identifiers: ClinVar variation 4651321 (VCV004651321.1).

ClinVar aggregate classification (germline): Uncertain significance (1 of 4 stars; one submission).

Submission:

Ambry Genetics
Classification: Uncertain significance. Last evaluated: 2025-09-20. Review status: criteria provided, single submitter. Criteria: Ambry Variant Classification Scheme 2023. Collection method: clinical testing. Allele origin: germline.
Comment: The p.R272S variant (also known as c.816G>T), located in coding exon 1 of the CDK12 gene, results from a G to T substitution at nucleotide position 816. The arginine at codon 272 is replaced by serine, an amino acid with dissimilar properties. This amino acid position is conserved. In addition, this alteration is predicted to be tolerated by in silico analysis. Based on the available evidence, the clinical significance of this variant remains unclear.